The following is an entry in ClinVar:

ClinVar aggregate classification (germline): Uncertain significance (1 of 4 stars; one submission).

Submission:

Women's Health and Genetics/Laboratory Corporation of America, LabCorp
Classification: Uncertain significance. Last evaluated: 2024-10-01. Review status: criteria provided, single submitter. Criteria: LabCorp Variant Classification Summary - May 2015. Collection method: clinical testing. Allele origin: germline.
Comment: Variant summary: CACNA1H c.3451G>A (p.Ala1151Thr) results in a non-conservative amino acid change in the encoded protein sequence. Four of five in-silico tools predict a damaging effect of the variant on protein function. The frequency data for this variant in gnomAD is considered unreliable, as metrics indicate poor data quality at this position. To our knowledge, no occurrence of c.3451G>A in individuals affected with Idiopathic Generalized Epilepsy and no experimental evidence demonstrating its impact on protein function have been reported. No submitters have cited clinical-significance assessments for this variant to ClinVar. Based on the evidence outlined above, the variant was classified as uncertain significance.

NM_021098.3(CACNA1H):c.3451G>A (p.Ala1151Thr)

Gene: CACNA1H (calcium voltage-gated channel subunit alpha1 H; plus strand). Cytogenetic location: 16p13.3.
Variant type: single nucleotide variant.
Coding change: c.3451G>A on transcript NM_021098.3 (MANE Select); coding-DNA position 3451, G replaced by A.
Protein change: p.Ala1151Thr; replaces alanine 1151 with threonine.
Molecular consequence: missense variant.
Genome position (GRCh38, 1-based): chr16:1,209,119, G>A. VCF-style: chr16-1209119-G-A. GRCh37 (hg19) VCF-style: chr16-1259119-G-A.
Other names: c.3451G>A, p.Ala1151Thr (NM_001005407.2); short protein forms A1151T.
Identifiers: ClinVar variation 3385015 (VCV003385015.1).